The following is an entry in ClinVar:

ClinVar aggregate classification (germline): Likely pathogenic (1 of 4 stars; one submission).

Conditions:
Hereditary cancer-predisposing syndrome. Also called: Neoplastic Syndromes, Hereditary; Hereditary neoplastic syndrome; Hereditary Cancer Syndrome; Tumor predisposition. Identifiers: Orphanet 140162, MedGen C0027672, MeSH D009386, MONDO:0015356.

Submission:

Hereditary Cancer Laboratory, Hospital Universitario 12 de Octubre
Classification: Likely pathogenic for Hereditary cancer-predisposing syndrome. Last evaluated: 2025-02-13. Review status: criteria provided, single submitter. Criteria: ACMG Guidelines, 2015. Collection method: clinical testing. Allele origin: germline.
Comment: PVS1strong+PM2+PP4

NM_000179.3(MSH6):c.3646+2_3646+3insTC

Gene: MSH6 (mutS homolog 6; plus strand). Cytogenetic location: 2p16.3.
Variant type: Insertion.
Coding change: c.3646+2_3646+3insTC on transcript NM_000179.3 (MANE Select); the canonical splice donor site of the intron after coding-DNA position 3646 through 3 bases into the intron after coding-DNA position 3646, TC inserted.
Molecular consequence: intron variant.
Genome position: GRCh38 VCF-style: chr2-47805709-T-TTC. GRCh37 (hg19) VCF-style: chr2-48032848-T-TTC.
Other names: c.3646+2_3646+3insTC (NM_001406809.1, NM_001406796.1, NM_001406808.1 and 1 more transcripts); c.2740+2_2740+3insTC (NM_001406811.1, NM_001406814.1, NM_001281493.2 and 6 more transcripts); c.3349+2_3349+3insTC (NM_001406805.1, NM_001406797.1, NM_001406801.1 and 10 more transcripts); c.3742+2_3742+3insTC (NM_001406795.1, NM_001406802.1); c.3652+2_3652+3insTC (NM_001406813.1); c.3121+2_3121+3insTC (NM_001406807.1, NM_001406799.1, NM_001406806.1); c.3472+2_3472+3insTC (NM_001406798.1); c.2782+2_2782+3insTC (NM_001406803.1); and 7 more.
Identifiers: ClinVar variation 4686612 (VCV004686612.1).